The following is an entry in ClinVar:

NM_000127.3(EXT1):c.2000T>A (p.Leu667Ter)

Gene: EXT1 (exostosin glycosyltransferase 1; minus strand). Cytogenetic location: 8q24.11.
Variant type: single nucleotide variant.
Coding change: c.2000T>A on transcript NM_000127.3 (MANE Select); coding-DNA position 2000, T replaced by A.
Protein change: p.Leu667Ter; replaces leucine 667 with a stop codon.
Molecular consequence: nonsense.
Genome position (GRCh38, 1-based): chr8:117,804,777, A>T on the plus strand (T>A on the coding strand, the complement: EXT1 is on the minus strand). VCF-style: chr8-117804777-A-T. GRCh37 (hg19) VCF-style: chr8-118817016-A-T.
Other names: short protein forms L667*.
Identifiers: ClinVar variation 430552 (VCV000430552.10), dbSNP rs1131692020, ClinGen allele CA371876991.

ClinVar aggregate classification (germline): Pathogenic. Review status: criteria provided, multiple submitters, no conflicts (2 of 4 stars). 2 submissions from 2 submitters: Pathogenic (2). Last evaluated 2020-04-05.

Conditions:
Multiple congenital exostosis (EXT). Also called: Hereditary multiple osteochondromas; Multiple exostoses; Multiple osteochondromas; Hereditary multiple exostoses; Hereditary multiple exostosis; MULTIPLE CARTILAGINOUS EXOSTOSES. Identifiers: Orphanet 321, MedGen C0015306, MONDO:0005508, HP:0002762.

Submissions (2):

Labcorp Genetics (formerly Invitae), Labcorp
Classification: Pathogenic for Multiple congenital exostosis. Last evaluated: 2020-04-05. Review status: criteria provided, single submitter. Criteria: Invitae Variant Classification Sherloc (09022015). Collection method: clinical testing. Allele origin: germline.
Comment: For these reasons, this variant has been classified as Pathogenic. Loss-of-function variants in EXT1 are known to be pathogenic (PMID: 10679937, 11391482, 19810120). This sequence change creates a premature translational stop signal (p.Leu667*) in the EXT1 gene. It is expected to result in an absent or disrupted protein product. This variant is not present in population databases (ExAC no frequency). This variant has been observed in individual(s) with clinical features of hereditary multiple osteochondromas (Invitae). ClinVar contains an entry for this variant (Variation ID: 430552). Algorithms developed to predict the effect of sequence changes on RNA splicing suggest that this variant may create or strengthen a splice site, but this prediction has not been confirmed by published transcriptional studies.

GeneDx
Classification: Pathogenic. Last evaluated: 2017-06-02. Review status: criteria provided, single submitter. Criteria: GeneDx Variant Classification (06012015). Collection method: clinical testing. Allele origin: germline. Affected: yes.
Comment: The L667X nonsense variant in the EXT1 gene has not been published as a pathogenic variant, nor has it been reported as a benign variant to our knowledge. This variant is predicted to cause loss of normal protein function through protein truncation, leading to loss of 80 amino acids within the last substrate binding region (Uniprot). Based on currently available evidence, we consider L667X to be a pathogenic variant.

Literature cited by the submitters: PubMed 10679937 (cited by Labcorp Genetics (formerly Invitae), Labcorp); PubMed 11391482 (cited by Labcorp Genetics (formerly Invitae), Labcorp); PubMed 19810120 (cited by Labcorp Genetics (formerly Invitae), Labcorp).